The following is an entry in ClinVar:

ClinVar aggregate classification (germline): Uncertain significance (1 of 4 stars; one submission).

gnomAD v4.1: 66 of 1,587,574 alleles (0.0042%); highest among the groups gnomAD compares: Non-Finnish European, 0.0056%; no homozygotes.

Submission:

Labcorp Genetics (formerly Invitae), Labcorp
Classification: Uncertain significance. Last evaluated: 2023-05-23. Review status: criteria provided, single submitter. Criteria: Invitae Variant Classification Sherloc (09022015). Collection method: clinical testing. Allele origin: germline.
Comment: In summary, the available evidence is currently insufficient to determine the role of this variant in disease. Therefore, it has been classified as a Variant of Uncertain Significance. An algorithm developed to predict the effect of missense changes on protein structure and function (PolyPhen-2) suggests that this variant is likely to be disruptive. This variant has not been reported in the literature in individuals affected with TIMM50-related conditions. This variant is present in population databases (rs559860803, gnomAD 0.004%). This sequence change replaces threonine, which is neutral and polar, with methionine, which is neutral and non-polar, at codon 127 of the TIMM50 protein (p.Thr127Met).

NM_001001563.5(TIMM50):c.71C>T (p.Thr24Met)

Gene: TIMM50 (translocase of inner mitochondrial membrane 50; plus strand). Cytogenetic location: 19q13.2.
Variant type: single nucleotide variant.
Coding change: c.71C>T on transcript NM_001001563.5 (MANE Select); coding-DNA position 71, C replaced by T.
Protein change: p.Thr24Met; replaces threonine 24 with methionine.
Molecular consequence: missense variant. On other transcripts: 5 prime UTR variant (1).
Genome position (GRCh38, 1-based): chr19:39,480,924, C>T. VCF-style: chr19-39480924-C-T. GRCh37 (hg19) VCF-style: chr19-39971564-C-T.
Other names: c.-210C>T (NM_001329559.2); short protein forms T24M.
Identifiers: ClinVar variation 2838287 (VCV002838287.3), dbSNP rs559860803, ClinGen allele CA9431649.